The following is an entry in ClinVar:

NM_001754.5(RUNX1):c.613+158C>T

Genes: RUNX1 (RUNX family transcription factor 1; minus strand), RUNX1-AS1 (RUNX1 antisense RNA 1; plus strand). Cytogenetic location: 21q22.12.
Variant type: single nucleotide variant.
Coding change: c.613+158C>T on transcript NM_001754.5 (MANE Select); 158 bases into the intron after coding-DNA position 613, C replaced by T.
Molecular consequence: intron variant.
Genome position (GRCh38, 1-based): chr21:34,859,316, G>A on the plus strand (C>T on the coding strand, the complement: RUNX1 is on the minus strand). VCF-style: chr21-34859316-G-A. GRCh37 (hg19) VCF-style: chr21-36231613-G-A.
Other names: c.532+158C>T (NM_001001890.3, NM_001122607.2).
Identifiers: ClinVar variation 1199613 (VCV001199613.5), dbSNP rs56138997, ClinGen allele CA10014432.

ClinVar aggregate classification (germline): Benign. Review status: reviewed by expert panel (3 of 4 stars). 3 submissions from 3 submitters: Benign (1). 2 of the submissions do not count toward it. Last evaluated 2024-08-28.

Conditions:
Hereditary thrombocytopenia and hematologic cancer predisposition syndrome. Identifiers: Orphanet 71290, MedGen CN281654, MONDO:0011071.

Allele frequency attached by ClinVar (database versions not stated): gnomAD exomes 0.01570 and 0.01706; 1000 Genomes Project 0.01817; 1000 Genomes Project 30x 0.01843; gnomAD 0.02061 and 0.02118; TOPMed 0.02190; ExAC 0.03996.
gnomAD v4.1: 11,910 of 659,944 alleles (1.8%); highest among the groups gnomAD compares: Middle Eastern, 4.4%; 145 homozygotes.

Submissions (3):

ClinGen Myeloid Malignancy Variant Curation Expert Panel
Classification: Benign for Hereditary thrombocytopenia and hematologic cancer predisposition syndrome. Last evaluated: 2024-08-28. Review status: reviewed by expert panel. Criteria: ClinGen MyeloMalig ACMG Specifications v2. Collection method: curation. Allele origin: germline. Inheritance: Autosomal dominant inheritance.
Comment: NM_001754.5(RUNX1):c.613+158C>T is an intronic variant which has a MAF of 0.03363 (3.4%, 595/17690 alleles) in the African subpopulation of the gnomAD v2 cohort, meeting the threshold of ≥ 0.0015 (0.15%) (BA1). This variant is detected in a homozygous state in an individual or in a population database (gnomAD v2) (BP2). It has a SpliceAI score ≤ 0.20 (0.0) (BP4), and evolutionary conservation algorithms predict the site as not being conserved, with a PhyloP score ≤ 2.0 (-0.58) (BP7). In summary, this variant meets criteria to be classified as benign. ACMG/AMP criteria applied, as specified by the Myeloid Malignancy Variant Curation Expert Panel for RUNX1: BA1, BP2, BP4, BP7.

GeneDx
Classification: Likely benign. Last evaluated: 2018-06-23. Review status: criteria provided, single submitter. Criteria: GeneDx Variant Classification Process June 2021. Collection method: clinical testing. Allele origin: germline. Affected: yes. Not counted in ClinVar's aggregate classification.

Breakthrough Genomics
Classification: Likely benign. Review status: criteria provided, single submitter. Criteria: ACMG Guidelines, 2015. Collection method: not provided. Allele origin: germline. Inheritance: Autosomal dominant inheritance. Affected: yes. Not counted in ClinVar's aggregate classification.